The following is an entry in ClinVar:

ClinVar aggregate classification (germline): Conflicting classifications of pathogenicity. Review status: criteria provided, conflicting classifications (1 of 4 stars). 3 submissions from 3 submitters: Uncertain significance (2); Likely benign (1). Last evaluated 2023-07-07.

Conditions:
Developmental and epileptic encephalopathy, 62. Also called: Early infantile epileptic encephalopathy 62. Identifiers: MedGen C4693699, MONDO:0033371, OMIM 617938.

Allele frequency attached by ClinVar (database versions not stated): gnomAD exomes 0.00001.
gnomAD v4.1: 7 of 1,614,154 alleles (0.00043%); highest among the groups gnomAD compares: South Asian, 0.0077%; no homozygotes.

Submissions (3):

Labcorp Genetics (formerly Invitae), Labcorp
Classification: Likely benign. Last evaluated: 2023-07-07. Review status: criteria provided, single submitter. Criteria: Invitae Variant Classification Sherloc (09022015). Collection method: clinical testing. Allele origin: germline.

Revvity Omics, Revvity
Classification: Uncertain significance. Last evaluated: 2020-04-04. Review status: criteria provided, single submitter. Criteria: ACMG Guidelines, 2015. Collection method: clinical testing. Allele origin: germline.

Neuberg Centre For Genomic Medicine, NCGM
Classification: Uncertain significance for Developmental and epileptic encephalopathy, 62. Review status: criteria provided, single submitter. Criteria: ACMG Guidelines, 2015. Collection method: clinical testing. Allele origin: germline. Inheritance: Autosomal dominant inheritance. Affected: yes.
Comment: The missense variant in c.1840C>G (p.Pro614Ala) in SCN3A gene has not been reported previously as a pathogenic variant nor as a benign variant, to our knowledge. This variant has not been reported to the ClinVar database. This variant is reported with the allele frequency (0.0012%) in the gnomAD and novel in 1000 genome database. The amino acid Pro at position 614 is changed to a Ala changing protein sequence and it might alter its composition and physicochemical properties. The variant is predicted to be damaging by both SIFT and PolyPhen2. The residue is conserved across species. The amino acid change p.Pro614Ala in SCN3A is predicted as conserved by GERP++ and PhyloP across 100 vertebrates. For these reasons, this variant has been classified as Uncertain Significance (VUS).

NM_006922.4(SCN3A):c.1840C>G (p.Pro614Ala)

Gene: SCN3A (sodium voltage-gated channel alpha subunit 3; minus strand). Cytogenetic location: 2q24.3.
Variant type: single nucleotide variant.
Coding change: c.1840C>G on transcript NM_006922.4 (MANE Select); coding-DNA position 1840, C replaced by G.
Protein change: p.Pro614Ala; replaces proline 614 with alanine.
Molecular consequence: missense variant.
Genome position (GRCh38, 1-based): chr2:165,140,830, G>C on the plus strand (C>G on the coding strand, the complement: SCN3A is on the minus strand). VCF-style: chr2-165140830-G-C. GRCh37 (hg19) VCF-style: chr2-165997340-G-C.
Other names: c.1840C>G (NM_006922.3); c.1840C>G, p.Pro614Ala (NM_001081676.2, NM_001081677.2); short protein forms P614A.
Identifiers: ClinVar variation 1485226 (VCV001485226.11), dbSNP rs868728039, ClinGen allele CA349046576.